The following is an entry in ClinVar:

ClinVar aggregate classification (germline): Uncertain significance. Review status: criteria provided, multiple submitters, no conflicts (2 of 4 stars). 2 submissions from 2 submitters: Uncertain significance (2). Last evaluated 2023-03-18.

Conditions:
Hereditary cancer-predisposing syndrome. Also called: Neoplastic Syndromes, Hereditary; Hereditary Cancer Syndrome; Tumor predisposition; Hereditary neoplastic syndrome. Identifiers: Orphanet 140162, MedGen C0027672, MeSH D009386, MONDO:0015356.
Familial adenomatous polyposis 1 (FAP1). Also called: POLYPOSIS, ADENOMATOUS INTESTINAL; FAMILIAL ADENOMATOUS POLYPOSIS 1, ATTENUATED. Identifiers: MedGen C2713442, MONDO:0021056, OMIM 175100. Disease mechanism: loss of function.

Submissions (2):

Color Diagnostics, LLC DBA Color Health
Classification: Uncertain significance for Hereditary cancer-predisposing syndrome. Last evaluated: 2023-03-18. Review status: criteria provided, single submitter. Criteria: ACMG Guidelines, 2015. Collection method: clinical testing. Allele origin: germline.
Comment: This missense variant replaces isoleucine with methionine at codon 1940 of the APC protein. Computational prediction suggests that this variant may not impact protein structure and function (internally defined REVEL score threshold <= 0.5, PMID: 27666373). To our knowledge, functional studies have not been reported for this variant. This variant has not been reported in individuals affected with APC-related disorders in the literature. This variant has not been identified in the general population by the Genome Aggregation Database (gnomAD). The available evidence is insufficient to determine the role of this variant in disease conclusively. Therefore, this variant is classified as a Variant of Uncertain Significance.

Labcorp Genetics (formerly Invitae), Labcorp
Classification: Uncertain significance for Familial adenomatous polyposis 1. Last evaluated: 2022-04-26. Review status: criteria provided, single submitter. Criteria: Invitae Variant Classification Sherloc (09022015). Collection method: clinical testing. Allele origin: germline.
Comment: In summary, the available evidence is currently insufficient to determine the role of this variant in disease. Therefore, it has been classified as a Variant of Uncertain Significance. Algorithms developed to predict the effect of missense changes on protein structure and function output the following: SIFT: "Tolerated"; PolyPhen-2: "Benign"; Align-GVGD: "Class C0". The methionine amino acid residue is found in multiple mammalian species, which suggests that this missense change does not adversely affect protein function. This variant has not been reported in the literature in individuals affected with APC-related conditions. This variant is not present in population databases (gnomAD no frequency). This sequence change replaces isoleucine, which is neutral and non-polar, with methionine, which is neutral and non-polar, at codon 1940 of the APC protein (p.Ile1940Met).

NM_000038.6(APC):c.5820A>G (p.Ile1940Met)

Gene: APC (APC regulator of Wnt signaling pathway; plus strand). Cytogenetic location: 5q22.2.
Variant type: single nucleotide variant.
Coding change: c.5820A>G on transcript NM_000038.6 (MANE Select); coding-DNA position 5820, A replaced by G.
Protein change: p.Ile1940Met; replaces isoleucine 1940 with methionine.
Molecular consequence: missense variant.
Genome position (GRCh38, 1-based): chr5:112,841,414, A>G. VCF-style: chr5-112841414-A-G. GRCh37 (hg19) VCF-style: chr5-112177111-A-G.
Other names: c.5820A>G, p.Ile1940Met (NM_001127510.3, NM_001354895.2, NM_001407450.1); c.5766A>G, p.Ile1922Met (NM_001127511.3); c.5874A>G, p.Ile1958Met (NM_001354896.2, NM_001407447.1, NM_001407448.1 and 1 more transcripts); c.5850A>G, p.Ile1950Met (NM_001354897.2); c.5745A>G, p.Ile1915Met (NM_001354898.2); c.5736A>G, p.Ile1912Met (NM_001354899.2); c.5697A>G, p.Ile1899Met (NM_001354900.2); c.5643A>G, p.Ile1881Met (NM_001354901.2, NM_001407453.1); and 11 more; short protein forms I1556M, I1814M, I1839M, I1915M, I1930M, I1940M, I1950M, I1958M.
Identifiers: ClinVar variation 2139546 (VCV002139546.5), dbSNP rs2149950054, ClinGen allele CA16034064.